The following is an entry in ClinVar:

ClinVar aggregate classification (germline): Uncertain significance (1 of 4 stars; one submission).

Conditions:
Inborn genetic diseases. Identifiers: MedGen C0950123, MeSH D030342.

Submission:

Ambry Genetics
Classification: Uncertain significance for Inborn genetic diseases. Last evaluated: 2025-07-25. Review status: criteria provided, single submitter. Criteria: Ambry Variant Classification Scheme 2023. Collection method: clinical testing. Allele origin: germline.
Comment: The p.G370R variant (also known as c.1108G>C), located in coding exon 6 of the FANCM gene, results from a G to C substitution at nucleotide position 1108. The glycine at codon 370 is replaced by arginine, an amino acid with dissimilar properties. This amino acid position is conserved. In addition, the in silico prediction for this alteration is inconclusive. Based on the available evidence, the clinical significance of this variant remains unclear.

NM_020937.4(FANCM):c.1108G>C (p.Gly370Arg)

Gene: FANCM (FA complementation group M; plus strand). Cytogenetic location: 14q21.2.
Variant type: single nucleotide variant.
Coding change: c.1108G>C on transcript NM_020937.4 (MANE Select); coding-DNA position 1108, G replaced by C.
Protein change: p.Gly370Arg; replaces glycine 370 with arginine.
Molecular consequence: missense variant.
Genome position (GRCh38, 1-based): chr14:45,153,977, G>C. VCF-style: chr14-45153977-G-C. GRCh37 (hg19) VCF-style: chr14-45623180-G-C.
Other names: c.1108G>C, p.Gly370Arg (NM_001308134.2); c.1030G>C, p.Gly344Arg (NM_001308133.2); short protein forms G344R, G370R.
Identifiers: ClinVar variation 4254617 (VCV004254617.1).
Genomic context (GRCh38, chr14:45,153,977, plus strand): 5'-TAGGGAATACAACAAGGCATAATCGAGGGAGAGTTTGCTATTTGTATTAGTTTATATCAT[G>C]GTTATGAATTATTGCAGCAAATGGGAATGAGATCATTATATTTCTTCCTTTGTGGAATTA-3'
Protein context (NP_065988.1, residues 360-380): EFAICISLYH[Gly370Arg]YELLQQMGMR